The following is an entry in ClinVar:

ClinVar aggregate classification (germline): Pathogenic (1 of 4 stars; one submission).

Conditions:
Hereditary diffuse gastric adenocarcinoma (HDGC). Also called: DIFFUSE GASTRIC AND LOBULAR BREAST CANCER SYNDROME. Identifiers: Orphanet 26106, MedGen C1708349, MONDO:0007648, OMIM 137215.

Submission:

Labcorp Genetics (formerly Invitae), Labcorp
Classification: Pathogenic for Hereditary diffuse gastric adenocarcinoma. Last evaluated: 2024-05-13. Review status: criteria provided, single submitter. Criteria: Invitae Variant Classification Sherloc (09022015). Collection method: clinical testing. Allele origin: germline.
Comment: This sequence change creates a premature translational stop signal (p.Gly186Alafs*29) in the CDH1 gene. It is expected to result in an absent or disrupted protein product. Loss-of-function variants in CDH1 are known to be pathogenic (PMID: 15235021, 20373070). This variant is not present in population databases (gnomAD no frequency). This variant has not been reported in the literature in individuals affected with CDH1-related conditions. For these reasons, this variant has been classified as Pathogenic.

Literature cited by the submitters: PubMed 15235021; PubMed 20373070.

NM_004360.5(CDH1):c.557del (p.Gly186fs)

Gene: CDH1 (cadherin 1; plus strand). Cytogenetic location: 16q22.1.
Variant type: Deletion.
Coding change: c.557del on transcript NM_004360.5 (MANE Select); coding-DNA position 557, one base deleted (G; older notation c.557delG).
Protein change: p.Gly186fs; shifts the reading frame from glycine 186.
Molecular consequence: frameshift variant. On other transcripts: 5 prime UTR variant (2).
Genome position (GRCh38, 1-based): chr16:68,808,718, G deleted; the last of 2 consecutive G bases (chr16:68,808,717-68,808,718); deleting either gives the same sequence. VCF-style (leftmost placement, unchanged base first): chr16-68808716-AG-A. GRCh37 (hg19) VCF-style: chr16-68842619-AG-A.
Other names: c.557del, p.Gly186fs (NM_001317184.2); c.-1059del (NM_001317185.2); c.-1263del (NM_001317186.2); short protein forms G186fs.
Identifiers: ClinVar variation 3642205 (VCV003642205.2).